The following is an entry in ClinVar:

NM_020745.4(AARS2):c.739C>A (p.Gln247Lys)

Gene: AARS2 (alanyl-tRNA synthetase 2, mitochondrial; minus strand). Cytogenetic location: 6p21.1.
Variant type: single nucleotide variant.
Coding change: c.739C>A on transcript NM_020745.4 (MANE Select); coding-DNA position 739, C replaced by A.
Protein change: p.Gln247Lys; replaces glutamine 247 with lysine.
Molecular consequence: missense variant.
Genome position (GRCh38, 1-based): chr6:44,311,004, G>T on the plus strand (C>A on the coding strand, the complement: AARS2 is on the minus strand). VCF-style: chr6-44311004-G-T. GRCh37 (hg19) VCF-style: chr6-44278741-G-T.
Other names: c.739C>A (NM_020745.2); short protein forms Q247K.
Identifiers: ClinVar variation 2438706 (VCV002438706.4), dbSNP rs1786301373, ClinGen allele CA364340771.

ClinVar aggregate classification (germline): Uncertain significance. Review status: criteria provided, multiple submitters, no conflicts (2 of 4 stars). 2 submissions from 2 submitters: Uncertain significance (2). Last evaluated 2024-12-20.

Allele frequency attached by ClinVar (database versions not stated): gnomAD exomes below 0.00001; gnomAD 0.00001; TOPMed 0.00001.
gnomAD v4.1: 7 of 1,613,814 alleles (0.00043%); highest among the groups gnomAD compares: Non-Finnish European, 0.00059%; no homozygotes.

Submissions (2):

GeneDx
Classification: Uncertain significance. Last evaluated: 2024-12-20. Review status: criteria provided, single submitter. Criteria: GeneDx Variant Classification Process June 2021. Collection method: clinical testing. Allele origin: germline. Affected: yes.
Comment: Not observed at significant frequency in large population cohorts (gnomAD); In silico analysis supports that this missense variant has a deleterious effect on protein structure/function; Has not been previously published as pathogenic or benign to our knowledge

Revvity Omics, Revvity
Classification: Uncertain significance. Last evaluated: 2023-01-03. Review status: criteria provided, single submitter. Criteria: ACMG Guidelines, 2015. Collection method: clinical testing. Allele origin: germline.